The following is an entry in ClinVar:

ClinVar aggregate classification (germline): Uncertain significance (1 of 4 stars; one submission).

Submission:

Labcorp Genetics (formerly Invitae), Labcorp
Classification: Uncertain significance. Last evaluated: 2022-12-03. Review status: criteria provided, single submitter. Criteria: Invitae Variant Classification Sherloc (09022015). Collection method: clinical testing. Allele origin: germline.
Comment: In summary, the available evidence is currently insufficient to determine the role of this variant in disease. Therefore, it has been classified as a Variant of Uncertain Significance. Algorithms developed to predict the effect of sequence changes on RNA splicing suggest that this variant may create or strengthen a splice site. This variant has not been reported in the literature in individuals affected with WFS1-related conditions. This variant is not present in population databases (gnomAD no frequency). This sequence change affects codon 276 of the WFS1 mRNA. It is a 'silent' change, meaning that it does not change the encoded amino acid sequence of the WFS1 protein.

NM_006005.3(WFS1):c.828G>T (p.Gly276=)

Gene: WFS1 (wolframin ER transmembrane glycoprotein; plus strand). Cytogenetic location: 4p16.1.
Variant type: single nucleotide variant.
Coding change: c.828G>T on transcript NM_006005.3 (MANE Select); coding-DNA position 828, G replaced by T.
Protein change: p.Gly276=; no amino-acid change (glycine 276 retained).
Molecular consequence: synonymous variant.
Genome position (GRCh38, 1-based): chr4:6,295,156, G>T. VCF-style: chr4-6295156-G-T. GRCh37 (hg19) VCF-style: chr4-6296883-G-T.
Other names: c.828G>T, p.Gly276= (NM_001145853.1).
Identifiers: ClinVar variation 2818106 (VCV002818106.3), dbSNP rs770430366, ClinGen allele CA438211269.